The following is an entry in ClinVar:

ClinVar aggregate classification (germline): Uncertain significance. Review status: criteria provided, single submitter (1 of 4 stars). 3 submissions from 3 submitters: Uncertain significance (1). 2 of the submissions do not count toward it. Last evaluated 2025-01-10.

Conditions:
Shwachman syndrome. Also called: Shwachman-Diamond Syndrome; PANCREATIC INSUFFICIENCY AND BONE MARROW DYSFUNCTION; SHWACHMAN-BODIAN SYNDROME. Identifiers: Orphanet 811, MedGen C0272170, MONDO:0009833.
Shwachman-Diamond syndrome 2. Identifiers: MedGen C4693704, MONDO:0044205, OMIM 617941.

Allele frequency attached by ClinVar (database versions not stated): gnomAD exomes 0.00001; TOPMed 0.00002.
gnomAD v4.1: 2 of 1,614,074 alleles (0.00012%); highest among the groups gnomAD compares: Admixed American, 0.0033%; no homozygotes.

Submissions (3):

Broad Center for Mendelian Genomics, Broad Institute of MIT and Harvard
Classification: Uncertain significance for Shwachman syndrome. Last evaluated: 2025-01-10. Review status: criteria provided, single submitter. Criteria: ACMG Guidelines, 2015. Collection method: curation. Allele origin: germline. Inheritance: Autosomal recessive inheritance.
Comment: The p.Met882Lys variant in EFL1 has been reported, in the homozygous state, in 1 individual with Shwachman-Diamond syndrome, segregated with disease in 1 affected relative from the same family (PMID: 28331068), and has been identified in 0.004% (2/44718) of Admixed American chromosomes by the Genome Aggregation Database (gnomAD; dbSNP rs1316615934). Although this variant has been seen in the general population in a heterozygous state, its frequency is low enough to be consistent with a recessive carrier frequency. This variant has been reported in ClinVar (Variation ID: 522583), and has been interpreted as pathogenic by OMIM. In vitro functional studies provide some evidence that the p.Met882Lys variant may slightly impact protein function (PMID: 28331068). However, these types of assays may not accurately represent biological function. Computational prediction tools and conservation analyses do not provide strong support for or against an impact to the protein. Furthermore, although this gene has been reported in association with Shwachman-Diamond syndrome, it currently has moderate evidence for these associations. In summary, the clinical significance of the p.Met882Lys variant is uncertain.

OMIM
Classification: Pathogenic for SHWACHMAN-DIAMOND SYNDROME 2. Last evaluated: 2018-04-19. Review status: no assertion criteria provided. Collection method: literature only. Allele origin: germline. Not counted in ClinVar's aggregate classification.

GeneReviews
No classification provided. Condition: Shwachman-Diamond syndrome 2. Review status: no classification provided. Collection method: literature only. Allele origin: germline. Not counted in ClinVar's aggregate classification.

Literature cited by the submitters: PubMed 28331068 (cited by OMIM and GeneReviews).

NM_024580.6(EFL1):c.2645T>A (p.Met882Lys)

Gene: EFL1 (elongation factor like GTPase 1; minus strand). Cytogenetic location: 15q25.2.
Variant type: single nucleotide variant.
Coding change: c.2645T>A on transcript NM_024580.6 (MANE Select); coding-DNA position 2645, T replaced by A.
Protein change: p.Met882Lys; replaces methionine 882 with lysine.
Molecular consequence: missense variant. On other transcripts: non-coding transcript variant (1).
Genome position (GRCh38, 1-based): chr15:82,151,809, A>T on the plus strand (T>A on the coding strand, the complement: EFL1 is on the minus strand). VCF-style: chr15-82151809-A-T. GRCh37 (hg19) VCF-style: chr15-82444150-A-T.
Other names: NM_024580.6(EFL1):c.2645T>A; p.Met882Lys; c.2492T>A, p.Met831Lys (NM_001040610.3); c.1856T>A, p.Met619Lys (NM_001322844.2); c.2645T>A, p.Met882Lys (NM_001322845.2); short protein forms M882K, M831K, M619K.
Identifiers: ClinVar variation 522583 (VCV000522583.3), dbSNP rs1316615934, ClinGen allele CA393286990.